The following is an entry in ClinVar:

NM_002979.5(SCP2):c.419C>G (p.Thr140Ser)

Gene: SCP2 (sterol carrier protein 2; plus strand). Cytogenetic location: 1p32.3.
Variant type: single nucleotide variant.
Coding change: c.419C>G on transcript NM_002979.5 (MANE Select); coding-DNA position 419, C replaced by G.
Protein change: p.Thr140Ser; replaces threonine 140 with serine.
Molecular consequence: missense variant.
Genome position (GRCh38, 1-based): chr1:52,961,525, C>G. VCF-style: chr1-52961525-C-G. GRCh37 (hg19) VCF-style: chr1-53427197-C-G.
Other names: c.419C>G (NM_002979.4); c.287C>G, p.Thr96Ser (NM_001007098.3, NM_001193600.2); c.347C>G, p.Thr116Ser (NM_001193599.2); c.176C>G, p.Thr59Ser (NM_001193617.2); c.419C>G, p.Thr140Ser (NM_001330587.2); short protein forms T116S, T96S, T140S, T59S.
Identifiers: ClinVar variation 1916562 (VCV001916562.5), dbSNP rs201992866, ClinGen allele CA857109.

ClinVar aggregate classification (germline): Uncertain significance. Review status: criteria provided, multiple submitters, no conflicts (2 of 4 stars). 2 submissions from 2 submitters: Uncertain significance (2). Last evaluated 2025-09-28.

gnomAD v4.1: 71 of 1,613,746 alleles (0.0044%); highest among the groups gnomAD compares: Non-Finnish European, 0.0053%; no homozygotes.

Submissions (2):

Ambry Genetics
Classification: Uncertain significance. Last evaluated: 2025-09-28. Review status: criteria provided, single submitter. Criteria: Ambry Variant Classification Scheme 2023. Collection method: clinical testing. Allele origin: germline.

Labcorp Genetics (formerly Invitae), Labcorp
Classification: Uncertain significance. Last evaluated: 2025-01-23. Review status: criteria provided, single submitter. Criteria: Invitae Variant Classification Sherloc (09022015). Collection method: clinical testing. Allele origin: germline.
Comment: This sequence change replaces threonine, which is neutral and polar, with serine, which is neutral and polar, at codon 140 of the SCP2 protein (p.Thr140Ser). This variant is present in population databases (rs201992866, gnomAD 0.02%). This variant has not been reported in the literature in individuals affected with SCP2-related conditions. ClinVar contains an entry for this variant (Variation ID: 1916562). An algorithm developed to predict the effect of missense changes on protein structure and function (PolyPhen-2) suggests that this variant¬†is likely to be tolerated. In summary, the available evidence is currently insufficient to determine the role of this variant in disease. Therefore, it has been classified as a Variant of Uncertain Significance.